The following is an entry in ClinVar:

NM_005204.4(MAP3K8):c.176G>A (p.Arg59His)

Gene: MAP3K8 (mitogen-activated protein kinase kinase kinase 8; plus strand). Cytogenetic location: 10p11.23.
Variant type: single nucleotide variant.
Coding change: c.176G>A on transcript NM_005204.4 (MANE Select); coding-DNA position 176, G replaced by A.
Protein change: p.Arg59His; replaces arginine 59 with histidine.
Molecular consequence: missense variant.
Genome position (GRCh38, 1-based): chr10:30,439,114, G>A. VCF-style: chr10-30439114-G-A. GRCh37 (hg19) VCF-style: chr10-30728043-G-A.
Other names: c.176G>A, p.Arg59His (NM_001244134.1, NM_001320961.2); short protein forms R59H.
Identifiers: ClinVar variation 1397583 (VCV001397583.8), dbSNP rs146728212, ClinGen allele CA5459598.

ClinVar aggregate classification (germline): Uncertain significance (1 of 4 stars; one submission).

Allele frequency attached by ClinVar (database versions not stated): gnomAD 0.00001 and 0.00002; TOPMed 0.00002; gnomAD exomes 0.00003 and 0.00004; ExAC 0.00006; ESP Exome Variant Server 0.00008; 1000 Genomes Project 30x 0.00031; 1000 Genomes Project 0.00040.
gnomAD v4.1: 50 of 1,614,200 alleles (0.0031%); highest among the groups gnomAD compares: South Asian, 0.029%; no homozygotes.

Submission:

Labcorp Genetics (formerly Invitae), Labcorp
Classification: Uncertain significance. Last evaluated: 2025-10-30. Review status: criteria provided, single submitter. Criteria: Invitae Variant Classification Sherloc (09022015). Collection method: clinical testing. Allele origin: germline.
Comment: This sequence change replaces arginine, which is basic and polar, with histidine, which is basic and polar, at codon 59 of the MAP3K8 protein (p.Arg59His). This variant is present in population databases (rs146728212, gnomAD 0.02%). This variant has not been reported in the literature in individuals affected with MAP3K8-related conditions. ClinVar contains an entry for this variant (Variation ID: 1397583). An algorithm developed to predict the effect of missense changes on protein structure and function outputs the following: PolyPhen-2: "Benign". The histidine amino acid residue is found in multiple mammalian species, which suggests that this missense change does not adversely affect protein function. In summary, the available evidence is currently insufficient to determine the role of this variant in disease. Therefore, it has been classified as a Variant of Uncertain Significance.